The following is an entry in ClinVar:

NM_013436.5(NCKAP1):c.2225G>C (p.Ser742Thr)

Gene: NCKAP1 (NCK associated protein 1; minus strand). Cytogenetic location: 2q32.1.
Variant type: single nucleotide variant.
Coding change: c.2225G>C on transcript NM_013436.5 (MANE Select); coding-DNA position 2225, G replaced by C.
Protein change: p.Ser742Thr; replaces serine 742 with threonine.
Molecular consequence: missense variant.
Genome position (GRCh38, 1-based): chr2:182,953,260, C>G on the plus strand (G>C on the coding strand, the complement: NCKAP1 is on the minus strand). VCF-style: chr2-182953260-C-G. GRCh37 (hg19) VCF-style: chr2-183817988-C-G.
Other names: c.2243G>C, p.Ser748Thr (NM_205842.3); short protein forms S742T, S748T.
Identifiers: ClinVar variation 1703178 (VCV001703178.3), dbSNP rs1199386055, ClinGen allele CA349757792.
Genomic context (GRCh38, chr2:182,953,260, plus strand): 5'-GTAATATCAATCTGCACATAGTTTTCTATTGACTGGAGTACGGTCATGTATGCTCTTACA[C>G]TTGTTAGAAGTTCTGAAGGTTTTGCAATTTCCTGTGTGGCTTGATTATACATAGTCATCC-3'
Protein context (NP_038464.1, residues 732-752): EIAKPSELLT[Ser742Thr]VRAYMTVLQS

ClinVar aggregate classification (germline): Uncertain significance (1 of 4 stars; one submission).

Allele frequency attached by ClinVar (database versions not stated): gnomAD exomes below 0.00001; TOPMed below 0.00001.
gnomAD v4.1: 2 of 1,613,578 alleles (0.00012%); highest among the groups gnomAD compares: Non-Finnish European, 0.00017%; no homozygotes.

Submission:

Greenwood Genetic Center Diagnostic Laboratories, Greenwood Genetic Center
Classification: Uncertain significance. Last evaluated: 2022-05-03. Review status: criteria provided, single submitter. Criteria: ACMG Guidelines, 2015. Collection method: clinical testing. Allele origin: germline. Affected: yes.
Comment: Gene of Uncertain Significance